The following is an entry in ClinVar:

ClinVar aggregate classification (germline): Conflicting classifications of pathogenicity. Review status: criteria provided, conflicting classifications (1 of 4 stars). 9 submissions from 9 submitters: Uncertain significance (1); Likely benign (8). Last evaluated 2025-10-24.

Conditions:
RYR1-related disorder. Also called: RYR1-related condition; RYR1-related disorders. Identifiers: MedGen CN239331.
Malignant hyperthermia, susceptibility to, 1 (MHS1). Also called: Anesthesia related hyperthermia; Malignant hyperpyrexia; Fulminating hyperpyrexia; Pharmacogenic myopathy; RYR1-Related Malignant Hyperthermia Susceptibility; Malignant hyperthermia suceptibility 1. Identifiers: Orphanet 423, MedGen C2930980, MONDO:0007783, OMIM 145600.

Allele frequency attached by ClinVar (database versions not stated): gnomAD 0.00011; gnomAD exomes 0.00015; TOPMed 0.00017; ExAC 0.00020; ESP Exome Variant Server 0.00023.
gnomAD v4.1: 371 of 1,613,970 alleles (0.023%); highest among the groups gnomAD compares: Non-Finnish European, 0.028%; no homozygotes.

Submissions (9):

Labcorp Genetics (formerly Invitae), Labcorp
Classification: Likely benign for RYR1-related disorder. Last evaluated: 2025-10-24. Review status: criteria provided, single submitter. Criteria: Invitae Variant Classification Sherloc (09022015). Collection method: clinical testing. Allele origin: germline.

Revvity Omics, Revvity
Classification: Likely benign. Last evaluated: 2024-07-09. Review status: criteria provided, single submitter. Criteria: ACMG Guidelines, 2015. Collection method: clinical testing. Allele origin: germline.

Blueprint Genetics
Classification: Likely benign. Last evaluated: 2024-04-29. Review status: criteria provided, single submitter. Criteria: ACMG Guidelines, 2015. Collection method: clinical testing. Allele origin: germline.

All of Us Research Program, National Institutes of Health
Classification: Likely benign for Malignant hyperthermia, susceptibility to, 1. Last evaluated: 2023-12-13. Review status: criteria provided, single submitter. Criteria: ACMG Guidelines, 2015. Collection method: clinical testing. Allele origin: germline. Inheritance: Autosomal dominant inheritance. Observed: 27 variant alleles, 27 heterozygotes.
Comment: This study involves interpretation of variants in research participants for the purpose of population health screening. Participant phenotype was not available at the time of variant classification. Additional details can be found in publication PMID: 35346344, PMCID: PMC8962531

Color Diagnostics, LLC DBA Color Health
Classification: Likely benign for Malignant hyperthermia, susceptibility to, 1. Last evaluated: 2022-09-16. Review status: criteria provided, single submitter. Criteria: ACMG Guidelines, 2015. Collection method: clinical testing. Allele origin: germline.

CeGaT Center for Human Genetics Tuebingen
Classification: Likely benign. Last evaluated: 2022-05-01. Review status: criteria provided, single submitter. Criteria: CeGaT Center For Human Genetics Tuebingen Variant Classification Criteria Version 2. Collection method: clinical testing. Allele origin: germline. Affected: yes. Observed: 2 variant alleles.
Comment: RYR1: BP4, BP7

GeneDx
Classification: Likely benign. Last evaluated: 2018-02-13. Review status: criteria provided, single submitter. Criteria: GeneDx Variant Classification (06012015). Collection method: clinical testing. Allele origin: germline. Affected: yes.
Comment: This variant is considered likely benign or benign based on one or more of the following criteria: it is a conservative change, it occurs at a poorly conserved position in the protein, it is predicted to be benign by multiple in silico algorithms, and/or has population frequency not consistent with disease.

Eurofins Ntd Llc (ga)
Classification: Uncertain significance. Last evaluated: 2014-11-17. Review status: criteria provided, single submitter. Criteria: EGL Classification Definitions 2015. Collection method: clinical testing. Allele origin: germline. Observed: 1 variant allele, 1 heterozygote.

PreventionGenetics, part of Exact Sciences
Classification: Likely benign. Review status: criteria provided, single submitter. Criteria: ACMG Guidelines, 2015. Collection method: clinical testing. Allele origin: germline.

NM_000540.3(RYR1):c.8073C>T (p.Tyr2691=)

Gene: RYR1 (ryanodine receptor 1; plus strand). Cytogenetic location: 19q13.2.
Variant type: single nucleotide variant.
Coding change: c.8073C>T on transcript NM_000540.3 (MANE Select); coding-DNA position 8073, C replaced by T.
Protein change: p.Tyr2691=; no amino-acid change (tyrosine 2691 retained).
Molecular consequence: synonymous variant.
Genome position (GRCh38, 1-based): chr19:38,504,753, C>T. VCF-style: chr19-38504753-C-T. GRCh37 (hg19) VCF-style: chr19-38995393-C-T.
Other names: c.8073C>T, p.Tyr2691= (NM_001042723.2).
Identifiers: ClinVar variation 197922 (VCV000197922.47), dbSNP rs202160739, ClinGen allele CA024889.